The following is an entry in ClinVar:

ClinVar aggregate classification (germline): Uncertain significance. Review status: criteria provided, multiple submitters, no conflicts (2 of 4 stars). 2 submissions from 2 submitters: Uncertain significance (2). Last evaluated 2024-12-25.

Conditions:
Inborn genetic diseases. Identifiers: MedGen C0950123, MeSH D030342.

gnomAD v4.1: 3 of 1,613,994 alleles (0.00019%); highest among the groups gnomAD compares: Non-Finnish European, 0.00025%; no homozygotes.

Submissions (2):

Ambry Genetics
Classification: Uncertain significance for Inborn genetic diseases. Last evaluated: 2024-12-25. Review status: criteria provided, single submitter. Criteria: Ambry Variant Classification Scheme 2023. Collection method: clinical testing. Allele origin: germline.

Labcorp Genetics (formerly Invitae), Labcorp
Classification: Uncertain significance. Last evaluated: 2024-03-20. Review status: criteria provided, single submitter. Criteria: Invitae Variant Classification Sherloc (09022015). Collection method: clinical testing. Allele origin: germline.
Comment: This sequence change replaces aspartic acid, which is acidic and polar, with glutamic acid, which is acidic and polar, at codon 84 of the CDH2 protein (p.Asp84Glu). This variant is not present in population databases (gnomAD no frequency). This variant has not been reported in the literature in individuals affected with CDH2-related conditions. ClinVar contains an entry for this variant (Variation ID: 1465780). An algorithm developed to predict the effect of missense changes on protein structure and function (PolyPhen-2) suggests that this variant is likely to be tolerated. In summary, the available evidence is currently insufficient to determine the role of this variant in disease. Therefore, it has been classified as a Variant of Uncertain Significance.

NM_001792.5(CDH2):c.252T>A (p.Asp84Glu)

Gene: CDH2 (cadherin 2; minus strand). Cytogenetic location: 18q12.1.
Variant type: single nucleotide variant.
Coding change: c.252T>A on transcript NM_001792.5 (MANE Select); coding-DNA position 252, T replaced by A.
Protein change: p.Asp84Glu; replaces aspartic acid 84 with glutamic acid.
Molecular consequence: missense variant.
Genome position (GRCh38, 1-based): chr18:28,013,830, A>T on the plus strand (T>A on the coding strand, the complement: CDH2 is on the minus strand). VCF-style: chr18-28013830-A-T. GRCh37 (hg19) VCF-style: chr18-25593794-A-T.
Other names: c.159T>A, p.Asp53Glu (NM_001308176.2); c.252T>A (NM_001792.3); short protein forms D84E, D53E.
Identifiers: ClinVar variation 1465780 (VCV001465780.8), dbSNP rs2144038346, ClinGen allele CA402244462.
Genomic context (GRCh38, chr18:28,013,830, plus strand): 5'-TATCAGGAACTTGGCATGCTCAGAAGAGAGTGGAAAGCTTCTCACGGCATACACCATGCC[A>T]TCTTCATCCACCTTAAAATCTGCAGGCTCACTGCTCTCATATTGTACTTTTCTTTTTCCA-3'
Protein context (NP_001783.2, residues 74-94): SEPADFKVDE[Asp84Glu]GMVYAVRSFP